The following is an entry in ClinVar:

ClinVar aggregate classification (germline): Uncertain significance. Review status: criteria provided, single submitter (1 of 4 stars). 2 submissions from 2 submitters: Uncertain significance (1). 1 of the submissions does not count toward it. Last evaluated 2021-11-03.

Conditions:
SUDDEN INFANT DEATH SYNDROME (SIDS). Also called: Sudden Infant Death. Identifiers: MedGen C0038644, MeSH D013398, OMIM 272120.

Allele frequency attached by ClinVar (database versions not stated): 1000 Genomes Project 30x 0.00016.

Submissions (2):

Institute for Clinical Genetics, University Hospital TU Dresden, University Hospital TU Dresden
Classification: Uncertain significance. Last evaluated: 2021-11-03. Review status: criteria provided, single submitter. Criteria: ACMG Guidelines, 2015. Collection method: clinical testing. Allele origin: germline.

Cardiovascular Biomedical Research Unit, Royal Brompton & Harefield NHS Foundation Trust
No classification provided. Condition: SUDDEN INFANT DEATH SYNDROME. Review status: no classification provided. Collection method: literature only. Allele origin: germline. Not counted in ClinVar's aggregate classification.
Comment: This variant has been reported as associated with Sudden infant death syndrome in the following publications (PMID:18596570). This is a literature report, and does not necessarily reflect the clinical interpretation of the Imperial College / Royal Brompton Cardiovascular Genetics laboratory.

Literature cited by the submitters: PubMed 18596570 (cited by Cardiovascular Biomedical Research Unit, Royal Brompton & Harefield NHS Foundation Trust); PubMed 22581653 (cited by Cardiovascular Biomedical Research Unit, Royal Brompton & Harefield NHS Foundation Trust).

NM_000218.3(KCNQ1):c.1793A>G (p.Lys598Arg)

Gene: KCNQ1 (potassium voltage-gated channel subfamily Q member 1; plus strand). Cytogenetic location: 11p15.5.
Variant type: single nucleotide variant.
Coding change: c.1793A>G on transcript NM_000218.3 (MANE Select); coding-DNA position 1793, A replaced by G.
Protein change: p.Lys598Arg; replaces lysine 598 with arginine.
Molecular consequence: missense variant.
Genome position (GRCh38, 1-based): chr11:2,778,036, A>G. VCF-style: chr11-2778036-A-G. GRCh37 (hg19) VCF-style: chr11-2799266-A-G.
Other names: c.1793A>G (LRG_287t1); c.1697A>G, p.Lys566Arg (NM_001406836.1); c.1523A>G, p.Lys508Arg (NM_001406837.1); c.1253A>G, p.Lys418Arg (NM_001406838.1); c.305A>G, p.Lys102Arg (NM_001406839.1); c.1412A>G, p.Lys471Arg (NM_181798.2); short protein forms K598R, K471R, K566R, K102R, K418R, K508R.
Identifiers: ClinVar variation 67056 (VCV000067056.6), dbSNP rs199472817, ClinGen allele CA006414.